The following is an entry in ClinVar:

NM_001401501.2(MUC16):c.37036T>C (p.Leu12346=)

Gene: MUC16 (mucin 16, cell surface associated; minus strand). Cytogenetic location: 19p13.2.
Variant type: single nucleotide variant.
Coding change: c.37036T>C on transcript NM_001401501.2 (MANE Select); coding-DNA position 37036, T replaced by C.
Protein change: p.Leu12346=; no amino-acid change (leucine 12346 retained).
Molecular consequence: synonymous variant.
Genome position (GRCh38, 1-based): chr19:8,914,928, A>G on the plus strand (T>C on the coding strand, the complement: MUC16 is on the minus strand). VCF-style: chr19-8914928-A-G. GRCh37 (hg19) VCF-style: chr19-9025604-A-G.
Other names: c.37462T>C, p.Leu12488= (NM_001414686.1); c.36916T>C, p.Leu12306= (NM_001414687.1); c.36850T>C, p.Leu12284= (NM_024690.2).
Identifiers: ClinVar variation 3060139 (VCV003060139.2), dbSNP rs200791776, ClinGen allele CA9165525.
Genomic context (GRCh38, chr19:8,914,928, plus strand): 5'-GAGTGAGTACAAGTGGGGCAGCCAGGCTGGAAATTCTAAGTTCTCACCTGAGCAAGGTCA[A>G]TCTGCAGCCAGAGTACAGAGGGCCAACACTGGTGTTCTTGAACAAGGGCTTGAGCTGTGG-3'
Protein context (NP_001388430.1, residues 12336-12356): SVGPLYSGCR[Leu12346=]TLLRPEKDGA

ClinVar aggregate classification (germline): Likely benign (0 of 4 stars; one submission).

Conditions:
MUC16-related disorder. Also called: MUC16-related condition.

Allele frequency attached by ClinVar (database versions not stated): 1000 Genomes Project 30x 0.08932; ExAC 0.35464.

Submission:

PreventionGenetics, part of Exact Sciences
Classification: Likely benign for MUC16-related condition. Last evaluated: 2019-10-16. Review status: no assertion criteria provided. Collection method: clinical testing. Allele origin: germline.
Comment: This variant is classified as likely benign based on ACMG/AMP sequence variant interpretation guidelines (Richards et al. 2015 PMID: 25741868, with internal and published modifications).